The following is an entry in ClinVar:

ClinVar aggregate classification (germline): Uncertain significance (1 of 4 stars; one submission).

Conditions:
TBX1-related disorder. Also called: TBX1-related condition; TBX1-Related Disorders.

gnomAD v4.1: 3 of 1,614,048 alleles (0.00019%); highest among the groups gnomAD compares: Non-Finnish European, 0.00025%; no homozygotes.

Submission:

PreventionGenetics, part of Exact Sciences
Classification: Uncertain significance for TBX1-related condition. Last evaluated: 2025-10-24. Review status: criteria provided, single submitter. Criteria: ACMG Guidelines, 2015. Collection method: clinical testing. Allele origin: germline.
Comment: The TBX1 c.1147A>G variant is predicted to result in the amino acid substitution p.Asn383Asp. To our knowledge, this variant has not been reported in the literature. In the primary transcript, this variant is post-coding (NM_080647:c.*12490A>G). This variant is reported in 0.00088% of alleles in individuals of European (Non-Finnish) descent in gnomAD. At this time, the clinical significance of this variant is uncertain due to the absence of conclusive functional and genetic evidence.

NM_080646.2(TBX1):c.1147A>G (p.Asn383Asp)

Gene: TBX1 (T-box transcription factor 1; plus strand). Cytogenetic location: 22q11.21.
Variant type: single nucleotide variant.
Coding change: c.1147A>G on transcript NM_080646.2; coding-DNA position 1147, A replaced by G.
Protein change: p.Asn383Asp; replaces asparagine 383 with aspartic acid.
Molecular consequence: missense variant. On other transcripts: intron variant (1).
Genome position (GRCh38, 1-based): chr22:19,779,357, A>G. VCF-style: chr22-19779357-A-G. GRCh37 (hg19) VCF-style: chr22-19766880-A-G.
Other names: c.1010-3556A>G (NM_005992.1); short protein forms N383D.
Identifiers: ClinVar variation 4977926 (VCV004977926.1).